The following is an entry in ClinVar:

ClinVar aggregate classification (germline): Likely benign. Review status: criteria provided, multiple submitters, no conflicts (2 of 4 stars). 2 submissions from 2 submitters: Likely benign (2). Last evaluated 2025-08-07.

Allele frequency attached by ClinVar (database versions not stated): ExAC 0.00215; 1000 Genomes Project 0.00260.

Submissions (2):

Ambry Genetics
Classification: Likely benign. Last evaluated: 2025-08-07. Review status: criteria provided, single submitter. Criteria: Ambry Variant Classification Scheme 2023. Collection method: clinical testing. Allele origin: germline.

CeGaT Center for Human Genetics Tuebingen
Classification: Likely benign. Last evaluated: 2024-01-01. Review status: criteria provided, single submitter. Criteria: CeGaT Center For Human Genetics Tuebingen Variant Classification Criteria Version 2. Collection method: clinical testing. Allele origin: germline. Affected: yes. Observed: 1 variant allele.
Comment: PRAMEF2: BP4, BS2

NM_023014.1(PRAMEF2):c.349C>T (p.Pro117Ser)

Genes: PRAMEF2 (PRAME family member 2; plus strand), LOC126805622 (CDK7 strongly-dependent group 2 enhancer GRCh37_chr1:12919058-12920257; plus strand). Cytogenetic location: 1p36.21.
Variant type: single nucleotide variant.
Coding change: c.349C>T on transcript NM_023014.1 (MANE Select); coding-DNA position 349, C replaced by T.
Protein change: p.Pro117Ser; replaces proline 117 with serine.
Molecular consequence: missense variant.
Genome position (GRCh38, 1-based): chr1:12,859,754, C>T. VCF-style: chr1-12859754-C-T. GRCh37 (hg19) VCF-style: chr1-12919609-C-T.
Other names: short protein forms P117S.
Identifiers: ClinVar variation 3025679 (VCV003025679.23), dbSNP rs545743529, ClinGen allele CA607989.